The following is an entry in ClinVar:

NM_024334.3(TMEM43):c.883-6C>G

Gene: TMEM43 (transmembrane protein 43; plus strand). Cytogenetic location: 3p25.1.
Variant type: single nucleotide variant.
Coding change: c.883-6C>G on transcript NM_024334.3 (MANE Select); 6 bases into the intron before coding-DNA position 883, C replaced by G.
Molecular consequence: intron variant.
Genome position (GRCh38, 1-based): chr3:14,139,174, C>G. VCF-style: chr3-14139174-C-G. GRCh37 (hg19) VCF-style: chr3-14180674-C-G.
Identifiers: ClinVar variation 1332138 (VCV001332138.3), dbSNP rs2124995129, ClinGen allele CA2573052093.

ClinVar aggregate classification (germline): Uncertain significance. Review status: criteria provided, multiple submitters, no conflicts (2 of 4 stars). 2 submissions from 2 submitters: Uncertain significance (2). Last evaluated 2024-01-09.

Conditions:
Cardiomyopathy (CMYO). Also called: Cardiomyopathies. Identifiers: Orphanet 167848, MedGen C0878544, MONDO:0004994, HP:0001638. Inheritance: Various modes of inheritance.

Submissions (2):

Blueprint Genetics
Classification: Uncertain significance. Last evaluated: 2024-01-09. Review status: criteria provided, single submitter. Criteria: ACMG Guidelines, 2015. Collection method: clinical testing. Allele origin: germline.

Color Diagnostics, LLC DBA Color Health
Classification: Uncertain significance for Cardiomyopathy. Last evaluated: 2021-07-06. Review status: criteria provided, single submitter. Criteria: ACMG Guidelines, 2015. Collection method: clinical testing. Allele origin: germline.
Comment: This variant causes a C to G nucleotide substitution at the -6 position of intron 10 of the TMEM43 gene. Splice prediction tools and conservation analysis are inconclusive regarding the impact of this variant on RNA splicing. To our knowledge, functional studies have not been reported for this variant. This variant has not been reported in individuals affected with cardiovascular disorders in the literature. This variant has not been identified in the general population by the Genome Aggregation Database (gnomAD). The available evidence is insufficient to determine the role of this variant in disease conclusively. Therefore, this variant is classified as a Variant of Uncertain Significance.